The following is an entry in ClinVar:

NM_001378454.1(ALMS1):c.7079G>C (p.Arg2360Thr)

Gene: ALMS1 (ALMS1 centrosome and basal body associated protein; plus strand). Cytogenetic location: 2p13.1.
Variant type: single nucleotide variant.
Coding change: c.7079G>C on transcript NM_001378454.1 (MANE Select); coding-DNA position 7079, G replaced by C.
Protein change: p.Arg2360Thr; replaces arginine 2360 with threonine.
Molecular consequence: missense variant.
Genome position (GRCh38, 1-based): chr2:73,453,606, G>C. VCF-style: chr2-73453606-G-C. GRCh37 (hg19) VCF-style: chr2-73680733-G-C.
Other names: c.7082G>C, p.Arg2361Thr (NM_015120.4); short protein forms R2360T, R2361T.
Identifiers: ClinVar variation 1384051 (VCV001384051.5), dbSNP rs1402057300, ClinGen allele CA347290860.

ClinVar aggregate classification (germline): Uncertain significance. Review status: criteria provided, multiple submitters, no conflicts (2 of 4 stars). 2 submissions from 2 submitters: Uncertain significance (2). Last evaluated 2025-11-25.

Conditions:
Alstrom syndrome (ALMS). Identifiers: Orphanet 64, MedGen C0268425, MONDO:0008763, OMIM 203800.
Cardiovascular phenotype. Identifiers: MedGen CN230736.

Allele frequency attached by ClinVar (database versions not stated): gnomAD exomes below 0.00001; gnomAD 0.00001; TOPMed 0.00001.
gnomAD v4.1: 3 of 1,613,892 alleles (0.00019%); highest among the groups gnomAD compares: African/African-American, 0.0013%; no homozygotes.

Submissions (2):

Ambry Genetics
Classification: Uncertain significance for Cardiovascular phenotype. Last evaluated: 2025-11-25. Review status: criteria provided, single submitter. Criteria: Ambry Variant Classification Scheme 2023. Collection method: clinical testing. Allele origin: germline.
Comment: The p.R2361T variant (also known as c.7082G>C), located in coding exon 8 of the ALMS1 gene, results from a G to C substitution at nucleotide position 7082. The arginine at codon 2361 is replaced by threonine, an amino acid with similar properties. This amino acid position is well conserved in available vertebrate species. In addition, this alteration is predicted to be tolerated by in silico analysis. Based on the available evidence, the clinical significance of this variant remains unclear.

Labcorp Genetics (formerly Invitae), Labcorp
Classification: Uncertain significance for Alstrom syndrome. Last evaluated: 2023-07-07. Review status: criteria provided, single submitter. Criteria: Invitae Variant Classification Sherloc (09022015). Collection method: clinical testing. Allele origin: germline.
Comment: This sequence change replaces arginine with threonine at codon 2361 of the ALMS1 protein (p.Arg2361Thr). The arginine residue is moderately conserved and there is a moderate physicochemical difference between arginine and threonine. In summary, the available evidence is currently insufficient to determine the role of this variant in disease. Therefore, it has been classified as a Variant of Uncertain Significance. Experimental studies and prediction algorithms are not available or were not evaluated, and the functional significance of this variant is currently unknown. ClinVar contains an entry for this variant (Variation ID: 1384051). This variant has not been reported in the literature in individuals affected with ALMS1-related conditions. This variant is not present in population databases (gnomAD no frequency).